The following is an entry in ClinVar:

ClinVar aggregate classification (germline): Pathogenic (1 of 4 stars; one submission).

Conditions:
Glycogen storage disease type III (GSD3). Also called: Cori disease; FORBES DISEASE. Identifiers: Orphanet 366, MedGen C0017922, MONDO:0009291, OMIM 232400.

Submission:

Labcorp Genetics (formerly Invitae), Labcorp
Classification: Pathogenic for Glycogen storage disease type III. Last evaluated: 2023-06-05. Review status: criteria provided, single submitter. Criteria: Invitae Variant Classification Sherloc (09022015). Collection method: clinical testing. Allele origin: germline.
Comment: This sequence change falls in intron 30 of the AGL gene. It does not directly change the encoded amino acid sequence of the AGL protein. RNA analysis indicates that this variant induces altered splicing and may result in an absent or disrupted protein product. This variant is not present in population databases (gnomAD no frequency). This variant has been observed in individual(s) with glycogen storage disease type III (PMID: 17196294, 25451950). This variant is also known as IVS31+5G>A. Variants that disrupt the consensus splice site are a relatively common cause of aberrant splicing (PMID: 17576681, 9536098). Studies have shown that this variant results in activation of a cryptic splice site and introduces a premature termination codon (PMID: 25451950). The resulting mRNA is expected to undergo nonsense-mediated decay. For these reasons, this variant has been classified as Pathogenic.

Literature cited by the submitters: PubMed 17196294; PubMed 25451950; PubMed 17576681; PubMed 9536098.

NM_000642.3(AGL):c.4161+5G>A

Gene: AGL (amylo-alpha-1,6-glucosidase and 4-alpha-glucanotransferase; plus strand). Cytogenetic location: 1p21.2.
Variant type: single nucleotide variant.
Coding change: c.4161+5G>A on transcript NM_000642.3 (MANE Select); 5 bases into the intron after coding-DNA position 4161, G replaced by A.
Molecular consequence: intron variant.
Genome position (GRCh38, 1-based): chr1:99,913,743, G>A. VCF-style: chr1-99913743-G-A. GRCh37 (hg19) VCF-style: chr1-100379299-G-A.
Other names: c.4113+5G>A (NM_000646.3); c.4140+5G>A (NM_001425326.1); c.3960+5G>A (NM_001425327.1); c.3957+5G>A (NM_001425328.1); c.3822+5G>A (NM_001425329.1); c.3783+5G>A (NM_001425332.1); c.4161+5G>A (NM_001425325.1, NM_000028.3, NM_000643.3 and 1 more transcripts).
Identifiers: ClinVar variation 2733961 (VCV002733961.3), dbSNP rs1293110437, ClinGen allele CA2586967107.